The following is an entry in ClinVar:

ClinVar aggregate classification (germline): Uncertain significance (1 of 4 stars; one submission).

Submission:

GeneDx
Classification: Uncertain significance. Last evaluated: 2024-04-28. Review status: criteria provided, single submitter. Criteria: GeneDx Variant Classification Process June 2021. Collection method: clinical testing. Allele origin: germline. Affected: yes.
Comment: Frameshift variant predicted to result in protein truncation or nonsense mediated decay in a gene or region of a gene for which loss of function is not a well-established mechanism of disease; Not observed at significant frequency in large population cohorts (gnomAD); Has not been previously published as pathogenic or benign to our knowledge

NM_013450.4(BAZ2B):c.2842_2845del (p.Lys948fs)

Gene: BAZ2B (bromodomain adjacent to zinc finger domain 2B; minus strand). Cytogenetic location: 2q24.2.
Variant type: Deletion.
Coding change: c.2842_2845del on transcript NM_013450.4 (MANE Select); coding-DNA positions 2842 to 2845, 4 bases deleted (AAGA; older notation c.2842_2845delAAGA).
Protein change: p.Lys948fs; shifts the reading frame from lysine 948.
Molecular consequence: frameshift variant.
Genome position (GRCh38, 1-based): chr2:159,400,652-159,400,655, TCTT deleted on the plus strand (AAGA on the coding strand, the reverse complement: BAZ2B is on the minus strand). VCF-style (leftmost placement, unchanged base first): chr2-159400651-CTCTT-C. GRCh37 (hg19) VCF-style: chr2-160257162-CTCTT-C.
Other names: c.2734_2737del, p.Lys912fs (NM_001289975.1); c.2653_2656del, p.Lys885fs (NM_001329857.2); c.2740_2743del, p.Lys914fs (NM_001329858.2); short protein forms K885fs, K912fs, K914fs, K948fs.
Identifiers: ClinVar variation 3372890 (VCV003372890.1).
Genomic context (GRCh38, chr2:159,400,651, plus strand): 5'-ACTTCTACCTCTAGAATTTGCTGAGCTCGAAGTTCTTTTTCCATTCTGATTTGCTGTATT[CTCTT>C]AATTTTTTCCTGTAGGAAAAGTTATGATAACTTGAGATAATAAAATAAACTATCTGAGTA-3'